The following is an entry in ClinVar:

NM_005633.4(SOS1):c.350T>G (p.Val117Gly)

Gene: SOS1 (SOS Ras/Rac guanine nucleotide exchange factor 1; minus strand). Cytogenetic location: 2p22.1.
Variant type: single nucleotide variant.
Coding change: c.350T>G on transcript NM_005633.4 (MANE Select); coding-DNA position 350, T replaced by G.
Protein change: p.Val117Gly; replaces valine 117 with glycine.
Molecular consequence: missense variant.
Genome position (GRCh38, 1-based): chr2:39,056,862, A>C on the plus strand (T>G on the coding strand, the complement: SOS1 is on the minus strand). VCF-style: chr2-39056862-A-C. GRCh37 (hg19) VCF-style: chr2-39284003-A-C.
Other names: NM_005633.3(SOS1):c.350T>G; c.329T>G, p.Val110Gly (NM_001382394.1); c.350T>G, p.Val117Gly (NM_001382395.1); short protein forms V117G, V110G.
Identifiers: ClinVar variation 45364 (VCV000045364.18), dbSNP rs201085754, ClinGen allele CA136140.

ClinVar aggregate classification (germline): Likely benign. Review status: reviewed by expert panel (3 of 4 stars). 6 submissions from 6 submitters: Likely benign (1). 5 of the submissions do not count toward it. Last evaluated 2017-04-03.

Conditions:
Cardiovascular phenotype. Identifiers: MedGen CN230736.
RASopathy. Also called: rasopathies; Noonan spectrum disorder. Identifiers: Orphanet 536391, MedGen C5555857, MONDO:0021060.

Allele frequency attached by ClinVar (database versions not stated): ExAC 0.00002; gnomAD 0.00001; gnomAD exomes 0.00001 and 0.00002; TOPMed 0.00003.
gnomAD v4.1: 20 of 1,601,672 alleles (0.0012%); highest among the groups gnomAD compares: Non-Finnish European, 0.00017%; no homozygotes.

Submissions (6):

ClinGen RASopathy Variant Curation Expert Panel
Classification: Likely benign for Noonan syndrome and Noonan-related syndrome. Last evaluated: 2017-04-03. Review status: reviewed by expert panel. Criteria: ClinGen RASopathy ACMG Specifications v1. Collection method: curation. Allele origin: germline. Inheritance: Autosomal dominant inheritance.
Comment: The c.350T>G (p.Val117Gly) variant has been identified in a patient with clinical features of a RASopathy with an alternate molecular basis for disease (BP5; GeneDx, Partners LMM GTR Lab ID: 26957, 21766; ClinVar SCV000062230.5, SCV000209093.5). This variant was observed in a healthy adult individual who did not have clinical features of a RASopathy (BS2; GeneDx, Partners LMM; GTR ID's: 26957, 21766; ClinVar SCV000062230.5, SCV000209093.5). Computational prediction tools and conservation analysis suggest that the p.Val117Gly variant may impact the protein (PP3). In summary, this variant meets criteria to be classified as likely benign. RASopathy-specific ACMG/AMP criteria applied (PMID:29493581): BP5, BS2, PP3.

Labcorp Genetics (formerly Invitae), Labcorp
Classification: Likely benign for RASopathy. Last evaluated: 2026-01-19. Review status: criteria provided, single submitter. Criteria: Invitae Variant Classification Sherloc (09022015). Collection method: clinical testing. Allele origin: germline. Not counted in ClinVar's aggregate classification.

Ambry Genetics
Classification: Uncertain significance for Cardiovascular phenotype. Last evaluated: 2025-02-21. Review status: criteria provided, single submitter. Criteria: Ambry Variant Classification Scheme 2023. Collection method: clinical testing. Allele origin: germline. Not counted in ClinVar's aggregate classification.
Comment: The p.V117G variant (also known as c.350T>G), located in coding exon 4 of the SOS1 gene, results from a T to G substitution at nucleotide position 350. The valine at codon 117 is replaced by glycine, an amino acid with dissimilar properties. This amino acid position is highly conserved in available vertebrate species. In addition, this alteration is predicted to be deleterious by in silico analysis. Since supporting evidence is limited at this time, the clinical significance of this alteration remains unclear.

Women's Health and Genetics/Laboratory Corporation of America, LabCorp
Classification: Uncertain significance. Last evaluated: 2023-09-11. Review status: criteria provided, single submitter. Criteria: LabCorp Variant Classification Summary - May 2015. Collection method: clinical testing. Allele origin: germline. Not counted in ClinVar's aggregate classification.
Comment: Variant summary: SOS1 c.350T>G (p.Val117Gly) results in a non-conservative amino acid change in the encoded protein sequence. Four of five in-silico tools predict a damaging effect of the variant on protein function. The variant allele was found at a frequency of 1.6e-05 in 250366 control chromosomes. The available data on variant occurrences in the general population are insufficient to allow any conclusion about variant significance. To our knowledge, no occurrence of c.350T>G in individuals affected with Noonan Syndrome and no experimental evidence demonstrating its impact on protein function have been reported. The available evidence is currently insufficient to determine the role of this variant in disease. Four submitters have cited clinical-significance assessments for this variant to ClinVar after 2014. Based on the evidence outlined above, the variant was classified as uncertain significance.

GeneDx
Classification: Likely benign. Last evaluated: 2016-07-14. Review status: criteria provided, single submitter. Criteria: GeneDx Variant Classification (06012015). Collection method: clinical testing. Allele origin: germline. Affected: yes. Not counted in ClinVar's aggregate classification.
Comment: This variant is considered likely benign or benign based on one or more of the following criteria: it is a conservative change, it occurs at a poorly conserved position in the protein, it is predicted to be benign by multiple in silico algorithms, and/or has population frequency not consistent with disease.

Laboratory for Molecular Medicine, Mass General Brigham Personalized Medicine
Classification: Uncertain significance. Last evaluated: 2014-09-24. Review status: criteria provided, single submitter. Criteria: LMM Criteria. Collection method: clinical testing. Allele origin: germline. Observed: 1 variant allele. Not counted in ClinVar's aggregate classification.
Comment: Variant classified as Uncertain Significance - Favor Benign. In addition, the variant was also identified in the unaffected mothers of both of t hese individuals (LMM unpublished data, pers. com. Cedars-Sinai). This variant h as also been identified in 0.1% (1/943) of European chromosomes by the ClinSeq p roject (dbSNP rs201085754). Computational prediction tools and conservation anal ysis do not provide strong support for or against an impact to the protein. In summary, while the clinical significance of the Val117Gly variant is uncertain, its presence in 3 apparently healthy individuals suggest that it is more likely to be benign.